The following is an entry in ClinVar:

ClinVar aggregate classification (germline): Uncertain significance (1 of 4 stars; one submission).

Allele frequency attached by ClinVar (database versions not stated): gnomAD 0.00001.
gnomAD v4.1: 1 of 1,613,836 alleles (0.000062%); highest among the groups gnomAD compares: African/African-American, 0.0013%; no homozygotes.

Submission:

Labcorp Genetics (formerly Invitae), Labcorp
Classification: Uncertain significance. Last evaluated: 2021-06-22. Review status: criteria provided, single submitter. Criteria: Invitae Variant Classification Sherloc (09022015). Collection method: clinical testing. Allele origin: germline.
Comment: This sequence change replaces lysine with glutamic acid at codon 436 of the SAMD9L protein (p.Lys436Glu). The lysine residue is moderately conserved and there is a small physicochemical difference between lysine and glutamic acid. This variant is not present in population databases (ExAC no frequency). This variant has not been reported in the literature in individuals with SAMD9L-related conditions. Algorithms developed to predict the effect of missense changes on protein structure and function are either unavailable or do not agree on the potential impact of this missense change (SIFT: "Not Available"; PolyPhen-2: "Possibly Damaging"; Align-GVGD: "Not Available"). In summary, the available evidence is currently insufficient to determine the role of this variant in disease. Therefore, it has been classified as a Variant of Uncertain Significance.

NM_152703.5(SAMD9L):c.1306A>G (p.Lys436Glu)

Gene: SAMD9L (sterile alpha motif domain containing 9 like; minus strand). Cytogenetic location: 7q21.2.
Variant type: single nucleotide variant.
Coding change: c.1306A>G on transcript NM_152703.5 (MANE Select); coding-DNA position 1306, A replaced by G.
Protein change: p.Lys436Glu; replaces lysine 436 with glutamic acid.
Molecular consequence: missense variant.
Genome position (GRCh38, 1-based): chr7:93,134,666, T>C on the plus strand (A>G on the coding strand, the complement: SAMD9L is on the minus strand). VCF-style: chr7-93134666-T-C. GRCh37 (hg19) VCF-style: chr7-92763979-T-C.
Other names: c.1306A>G, p.Lys436Glu (NM_001303496.3, NM_001303497.3, NM_001303498.3 and 5 more transcripts); short protein forms K436E.
Identifiers: ClinVar variation 1494496 (VCV001494496.8), dbSNP rs1322589494, ClinGen allele CA368197589.